The following is an entry in ClinVar:

ClinVar aggregate classification (germline): Uncertain significance (1 of 4 stars; one submission).

Conditions:
Joubert syndrome. Also called: Familial aplasia of the vermis; JOUBERT-BOLTSHAUSER SYNDROME. Identifiers: Orphanet 475, MedGen C5979921, MONDO:0018772.
Meckel-Gruber syndrome. Also called: Dysencephalia splachnocystica; DYSENCEPHALIA SPLANCHNOCYSTICA; GRUBER SYNDROME. Identifiers: Orphanet 564, MedGen C0265215, MONDO:0018921.

Allele frequency attached by ClinVar (database versions not stated): gnomAD exomes below 0.00001; TOPMed below 0.00001; gnomAD 0.00001; 1000 Genomes Project 30x 0.00016; 1000 Genomes Project 0.00020.

Submission:

Labcorp Genetics (formerly Invitae), Labcorp
Classification: Uncertain significance for Joubert syndrome; Meckel-Gruber syndrome. Last evaluated: 2022-07-26. Review status: criteria provided, single submitter. Criteria: Invitae Variant Classification Sherloc (09022015). Collection method: clinical testing. Allele origin: germline.
Comment: This sequence change replaces isoleucine, which is neutral and non-polar, with arginine, which is basic and polar, at codon 1041 of the CC2D2A protein (p.Ile1041Arg). This variant is present in population databases (rs549484261, gnomAD 0.003%). This variant has not been reported in the literature in individuals affected with CC2D2A-related conditions. Advanced modeling of protein sequence and biophysical properties (such as structural, functional, and spatial information, amino acid conservation, physicochemical variation, residue mobility, and thermodynamic stability) performed at Invitae indicates that this missense variant is expected to disrupt CC2D2A protein function. In summary, the available evidence is currently insufficient to determine the role of this variant in disease. Therefore, it has been classified as a Variant of Uncertain Significance.

NM_001378615.1(CC2D2A):c.3122T>G (p.Ile1041Arg)

Genes: CC2D2A (coiled-coil and C2 domain containing 2A; plus strand), FBXL5 (F-box and leucine rich repeat protein 5; minus strand). Cytogenetic location: 4p15.32.
Variant type: single nucleotide variant.
Coding change: c.3122T>G on transcript NM_001378615.1 (MANE Select); coding-DNA position 3122, T replaced by G.
Protein change: p.Ile1041Arg; replaces isoleucine 1041 with arginine.
Molecular consequence: missense variant.
Genome position (GRCh38, 1-based): chr4:15,563,462, T>G. VCF-style: chr4-15563462-T-G. GRCh37 (hg19) VCF-style: chr4-15565085-T-G.
Other names: c.3122T>G, p.Ile1041Arg (NM_001080522.2); c.2975T>G, p.Ile992Arg (NM_001378617.1); short protein forms I992R, I1041R.
Identifiers: ClinVar variation 1990112 (VCV001990112.1), dbSNP rs549484261, ClinGen allele CA92513555.